The following is an entry in ClinVar:

ClinVar aggregate classification (germline): Uncertain significance. Review status: criteria provided, multiple submitters, no conflicts (2 of 4 stars). 2 submissions from 2 submitters: Uncertain significance (2). Last evaluated 2024-06-30.

Conditions:
Progressive microcephaly-seizures-cortical blindness-developmental delay syndrome. Also called: Seizures, cortical blindness, and microcephaly syndrome. Identifiers: Orphanet 477814, MedGen C5567650, MONDO:0014714, OMIM 616632.
Autosomal dominant nonsyndromic hearing loss 1. Also called: KONIGSMARK SYNDROME; DEAFNESS, AUTOSOMAL DOMINANT 1, WITH OR WITHOUT THROMBOCYTOPENIA. Identifiers: Orphanet 90635, MedGen C1852282, MONDO:0007424, OMIM 124900.
Inborn genetic diseases. Identifiers: MedGen C0950123, MeSH D030342.

Allele frequency attached by ClinVar (database versions not stated): ExAC 0.00001.
gnomAD v4.1: 2 of 1,613,274 alleles (0.00012%); highest among the groups gnomAD compares: East Asian, 0.0022%; no homozygotes.

Submissions (2):

Ambry Genetics
Classification: Uncertain significance for Inborn genetic diseases. Last evaluated: 2024-06-30. Review status: criteria provided, single submitter. Criteria: Ambry Variant Classification Scheme 2023. Collection method: clinical testing. Allele origin: germline.

Labcorp Genetics (formerly Invitae), Labcorp
Classification: Uncertain significance for Progressive microcephaly-seizures-cortical blindness-developmental delay syndrome; Autosomal dominant nonsyndromic hearing loss 1. Last evaluated: 2024-01-29. Review status: criteria provided, single submitter. Criteria: Invitae Variant Classification Sherloc (09022015). Collection method: clinical testing. Allele origin: germline.
Comment: This sequence change replaces valine, which is neutral and non-polar, with leucine, which is neutral and non-polar, at codon 777 of the DIAPH1 protein (p.Val777Leu). This variant is present in population databases (rs768267621, gnomAD 0.0009%). This variant has not been reported in the literature in individuals affected with DIAPH1-related conditions. ClinVar contains an entry for this variant (Variation ID: 1720228). An algorithm developed to predict the effect of missense changes on protein structure and function (PolyPhen-2) suggests that this variant is likely to be disruptive. In summary, the available evidence is currently insufficient to determine the role of this variant in disease. Therefore, it has been classified as a Variant of Uncertain Significance.

NM_005219.5(DIAPH1):c.2329G>T (p.Val777Leu)

Gene: DIAPH1 (diaphanous related formin 1; minus strand). Cytogenetic location: 5q31.3.
Variant type: single nucleotide variant.
Coding change: c.2329G>T on transcript NM_005219.5 (MANE Select); coding-DNA position 2329, G replaced by T.
Protein change: p.Val777Leu; replaces valine 777 with leucine.
Molecular consequence: missense variant.
Genome position (GRCh38, 1-based): chr5:141,573,521, C>A on the plus strand (G>T on the coding strand, the complement: DIAPH1 is on the minus strand). VCF-style: chr5-141573521-C-A. GRCh37 (hg19) VCF-style: chr5-140953088-C-A.
Other names: c.2302G>T, p.Val768Leu (NM_001079812.3); c.2329G>T, p.Val777Leu (NM_001314007.2); c.2329G>T (NM_005219.4); short protein forms V768L, V777L.
Identifiers: ClinVar variation 1720228 (VCV001720228.7), dbSNP rs768267621, ClinGen allele CA3479120.